The following is an entry in ClinVar:

NM_018979.4(WNK1):c.5583+4A>G

Gene: WNK1 (WNK lysine deficient protein kinase 1; plus strand). Cytogenetic location: 12p13.33.
Variant type: single nucleotide variant.
Coding change: c.5583+4A>G on transcript NM_018979.4 (MANE Select); 4 bases into the intron after coding-DNA position 5583, A replaced by G.
Molecular consequence: intron variant.
Genome position (GRCh38, 1-based): chr12:894,639, A>G. VCF-style: chr12-894639-A-G. GRCh37 (hg19) VCF-style: chr12-1003805-A-G.
Other names: c.6339+4A>G (NM_213655.5); c.6363+4A>G (NM_001184985.2); c.4839+4A>G (NM_014823.3).
Identifiers: ClinVar variation 2015007 (VCV002015007.4), dbSNP rs2497469744, ClinGen allele CA477852018.

ClinVar aggregate classification (germline): Uncertain significance (1 of 4 stars; one submission).

Conditions:
Neuropathy, hereditary sensory and autonomic, type 2A (HSAN2A). Also called: ACROOSTEOLYSIS, GIACCAI TYPE; ACROOSTEOLYSIS, NEUROGENIC; MORVAN DISEASE; NEUROPATHY, CONGENITAL SENSORY; NEUROPATHY, HEREDITARY SENSORY RADICULAR, AUTOSOMAL RECESSIVE; NEUROPATHY, HEREDITARY SENSORY, TYPE IIA. Identifiers: Orphanet 970, MedGen C2752089, MONDO:0024309, OMIM 201300.
Pseudohypoaldosteronism type 2C (PHA2C). Also called: Pseudohypoaldosteronism Type IIC. Identifiers: Orphanet 757, Orphanet 88940, MedGen C1840391, MONDO:0013778, OMIM 614492.

Submission:

Labcorp Genetics (formerly Invitae), Labcorp
Classification: Uncertain significance for Neuropathy, hereditary sensory and autonomic, type 2A; Pseudohypoaldosteronism type 2C. Last evaluated: 2024-10-10. Review status: criteria provided, single submitter. Criteria: Invitae Variant Classification Sherloc (09022015). Collection method: clinical testing. Allele origin: germline.
Comment: This sequence change falls in intron 23 of the WNK1 gene. It does not directly change the encoded amino acid sequence of the WNK1 protein. It affects a nucleotide within the consensus splice site. This variant is not present in population databases (gnomAD no frequency). This variant has not been reported in the literature in individuals affected with WNK1-related conditions. ClinVar contains an entry for this variant (Variation ID: 2015007). Variants that disrupt the consensus splice site are a relatively common cause of aberrant splicing (PMID: 17576681, 9536098). Algorithms developed to predict the effect of sequence changes on RNA splicing suggest that this variant may disrupt the consensus splice site. In summary, the available evidence is currently insufficient to determine the role of this variant in disease. Therefore, it has been classified as a Variant of Uncertain Significance.

Literature cited by the submitters: PubMed 17576681; PubMed 9536098.